The following is an entry in ClinVar:

NM_025179.4(PLXNA2):c.2482G>A (p.Gly828Ser)

Gene: PLXNA2 (plexin A2; minus strand). Cytogenetic location: 1q32.2.
Variant type: single nucleotide variant.
Coding change: c.2482G>A on transcript NM_025179.4 (MANE Select); coding-DNA position 2482, G replaced by A.
Protein change: p.Gly828Ser; replaces glycine 828 with serine.
Molecular consequence: missense variant.
Genome position (GRCh38, 1-based): chr1:208,079,364, C>T on the plus strand (G>A on the coding strand, the complement: PLXNA2 is on the minus strand). VCF-style: chr1-208079364-C-T. GRCh37 (hg19) VCF-style: chr1-208252709-C-T.
Other names: short protein forms G828S.
Identifiers: ClinVar variation 2634843 (VCV002634843.3), dbSNP rs775525988, ClinGen allele CA1373502.

ClinVar aggregate classification (germline): Uncertain significance. Review status: criteria provided, single submitter (1 of 4 stars). 2 submissions from 2 submitters: Uncertain significance (1). 1 of the submissions does not count toward it. Last evaluated 2026-01-08.

Conditions:
PLXNA2-related disorder. Also called: PLXNA2-related condition.

Allele frequency attached by ClinVar (database versions not stated): gnomAD 0.00001; gnomAD exomes 0.00003; ExAC 0.00005; TOPMed 0.00006.
gnomAD v4.1: 37 of 1,612,644 alleles (0.0023%); highest among the groups gnomAD compares: Admixed American, 0.02%; no homozygotes.

Submissions (2):

Labcorp Genetics (formerly Invitae), Labcorp
Classification: Uncertain significance. Last evaluated: 2026-01-08. Review status: criteria provided, single submitter. Criteria: Invitae Variant Classification Sherloc (09022015). Collection method: clinical testing. Allele origin: germline.
Comment: This sequence change replaces glycine, which is neutral and non-polar, with serine, which is neutral and polar, at codon 828 of the PLXNA2 protein (p.Gly828Ser). This variant is present in population databases (rs775525988, gnomAD 0.03%). This variant has not been reported in the literature in individuals affected with PLXNA2-related conditions. ClinVar contains an entry for this variant (Variation ID: 2634843). Invitae Evidence Modeling of protein sequence and biophysical properties (such as structural, functional, and spatial information, amino acid conservation, physicochemical variation, residue mobility, and thermodynamic stability) indicates that this missense variant is not expected to disrupt PLXNA2 protein function with a negative predictive value of 80%. In summary, the available evidence is currently insufficient to determine the role of this variant in disease. Therefore, it has been classified as a Variant of Uncertain Significance.

PreventionGenetics, part of Exact Sciences
Classification: Uncertain significance for PLXNA2-related condition. Last evaluated: 2024-03-05. Review status: no assertion criteria provided. Collection method: clinical testing. Allele origin: germline. Not counted in ClinVar's aggregate classification.
Comment: The PLXNA2 c.2482G>A variant is predicted to result in the amino acid substitution p.Gly828Ser. To our knowledge, this variant has not been reported in the literature. This variant is reported in 0.026% of alleles in individuals of Latino descent in gnomAD. At this time, the clinical significance of this variant is uncertain due to the absence of conclusive functional and genetic evidence.